The following is an entry in ClinVar:

ClinVar aggregate classification (germline): Uncertain significance (1 of 4 stars; one submission).

Conditions:
Myofibrillar myopathy 5. Also called: Filaminopathy (type); FILAMINOPATHY, AUTOSOMAL DOMINANT. Identifiers: Orphanet 171445, MedGen C1836050, MONDO:0012289, OMIM 609524.
Hypertrophic cardiomyopathy 26. Also called: Cardiomyopathy, familial hypertrophic, 26. Identifiers: Orphanet 75249, MedGen C4310749, MONDO:0014883, OMIM 617047.
Distal myopathy with posterior leg and anterior hand involvement. Also called: WILLIAMS DISTAL MYOPATHY. Identifiers: Orphanet 63273, MedGen C3279722, MONDO:0013550, OMIM 614065.

Submission:

Labcorp Genetics (formerly Invitae), Labcorp
Classification: Uncertain significance for Distal myopathy with posterior leg and anterior hand involvement; Myofibrillar myopathy 5; Hypertrophic cardiomyopathy 26. Last evaluated: 2021-09-01. Review status: criteria provided, single submitter. Criteria: Invitae Variant Classification Sherloc (09022015). Collection method: clinical testing. Allele origin: germline.
Comment: This sequence change replaces proline with leucine at codon 1625 of the FLNC protein (p.Pro1625Leu). The proline residue is highly conserved and there is a moderate physicochemical difference between proline and leucine. This variant is not present in population databases (ExAC no frequency). This variant has not been reported in the literature in individuals with FLNC-related disease. Algorithms developed to predict the effect of missense changes on protein structure and function are either unavailable or do not agree on the potential impact of this missense change (SIFT: "Tolerated"; PolyPhen-2: "Probably Damaging"; Align-GVGD: "Class C0"). In summary, the available evidence is currently insufficient to determine the role of this variant in disease. Therefore, it has been classified as a Variant of Uncertain Significance.

NM_001458.5(FLNC):c.4874C>T (p.Pro1625Leu)

Gene: FLNC (filamin C; plus strand). Cytogenetic location: 7q32.1.
Variant type: single nucleotide variant.
Coding change: c.4874C>T on transcript NM_001458.5 (MANE Select); coding-DNA position 4874, C replaced by T.
Protein change: p.Pro1625Leu; replaces proline 1625 with leucine.
Molecular consequence: missense variant.
Genome position (GRCh38, 1-based): chr7:128,848,929, C>T. VCF-style: chr7-128848929-C-T. GRCh37 (hg19) VCF-style: chr7-128488983-C-T.
Other names: c.4874C>T, p.Pro1625Leu (NM_001127487.2); short protein forms P1625L.
Identifiers: ClinVar variation 655684 (VCV000655684.11), dbSNP rs1585164029, ClinGen allele CA369203449.